The following is an entry in ClinVar:

ClinVar aggregate classification (germline): Conflicting classifications of pathogenicity. Review status: criteria provided, conflicting classifications (1 of 4 stars). 9 submissions from 9 submitters: Uncertain significance (4); Likely benign (5). Last evaluated 2026-03-06.

Conditions:
SACS-related disorder. Also called: SACS-related condition.
Inborn genetic diseases. Identifiers: MedGen C0950123, MeSH D030342.
Spastic paraplegia. Identifiers: MedGen C0037772, HP:0001258.
Hereditary spastic paraplegia. Also called: Familial spastic paraparesis. Identifiers: Orphanet 685, MedGen C0037773, MONDO:0019064. Disease mechanism: loss of function.
Charlevoix-Saguenay spastic ataxia (SACS). Also called: AUTOSOMAL RECESSIVE SPASTIC ATAXIA OF CHARLEVOIX-SAGUENAY; SPASTIC ATAXIA 6, AUTOSOMAL RECESSIVE; Spastic ataxia of Charlevoix-Saguenay. Identifiers: Orphanet 98, MedGen C1849140, MONDO:0010041, OMIM 270550.

Allele frequency attached by ClinVar (database versions not stated): 1000 Genomes Project 0.00020; 1000 Genomes Project 30x 0.00031; ESP Exome Variant Server 0.00046; gnomAD exomes 0.00053 and 0.00062; ExAC 0.00061; gnomAD 0.00068 and 0.00071; TOPMed 0.00070.
gnomAD v4.1: 1,016 of 1,613,524 alleles (0.063%); highest among the groups gnomAD compares: Admixed American, 0.1%; 2 homozygotes.

Submissions (10):

PreventionGenetics, part of Exact Sciences
Classification: Uncertain significance for SACS-related condition. Last evaluated: 2026-03-06. Review status: criteria provided, single submitter. Criteria: ACMG Guidelines, 2015. Collection method: clinical testing. Allele origin: germline.
Comment: The SACS c.1885G>A variant is predicted to result in the amino acid substitution p.Ala629Thr. To our knowledge, this variant has not been reported in the literature. This variant is reported in 0.082% of alleles in individuals of European (Non-Finnish) descent in gnomAD. This variant has interpretation of likely benign and uncertain significance in ClinVar (Variation ID: 448197). Although we suspect that this variant may be benign, at this time, the clinical significance of this variant is uncertain due to the absence of conclusive functional and genetic evidence.

Labcorp Genetics (formerly Invitae), Labcorp
Classification: Likely benign for Spastic paraplegia. Last evaluated: 2026-01-19. Review status: criteria provided, single submitter. Criteria: Invitae Variant Classification Sherloc (09022015). Collection method: clinical testing. Allele origin: germline.

Athena Diagnostics
Classification: Likely benign. Last evaluated: 2024-12-31. Review status: criteria provided, single submitter. Criteria: Athena Diagnostics Criteria. Collection method: clinical testing. Allele origin: unknown.
Comment: The frequency of this variant in the general population is higher than would generally be expected for pathogenic variants in this gene. Computational tools predict this amino acid change may be benign.

Mayo Clinic Laboratories, Mayo Clinic
Classification: Likely benign. Last evaluated: 2024-12-24. Review status: criteria provided, single submitter. Criteria: ACMG Guidelines, 2015. Collection method: clinical testing. Allele origin: germline. Observed: 4 variant alleles.
Comment: BS2, BP4_moderate

Blueprint Genetics
Classification: Likely benign. Last evaluated: 2024-11-05. Review status: criteria provided, single submitter. Criteria: ACMG Guidelines, 2015. Collection method: clinical testing. Allele origin: germline.

Ambry Genetics
Classification: Uncertain significance for Inborn genetic diseases. Last evaluated: 2021-12-09. Review status: criteria provided, single submitter. Criteria: Ambry Variant Classification Scheme 2023. Collection method: clinical testing. Allele origin: germline.
Comment: The c.1885G>A (p.A629T) alteration is located in exon 8 (coding exon 7) of the SACS gene. This alteration results from a G to A substitution at nucleotide position 1885, causing the alanine (A) at amino acid position 629 to be replaced by a threonine (T). Based on data from gnomAD, the A allele has an overall frequency of 0.05% (144/282206) total alleles studied. The highest observed frequency was 0.08% (106/128776) of European (non-Finnish) alleles. This amino acid position is not well conserved in available vertebrate species. This alteration is predicted to be tolerated by in silico analysis. Based on insufficient or conflicting evidence, the clinical significance of this alteration remains unclear.

Genome-Nilou Lab
Classification: Likely benign for Charlevoix-Saguenay spastic ataxia. Last evaluated: 2021-09-05. Review status: criteria provided, single submitter. Criteria: ACMG Guidelines, 2015. Collection method: clinical testing. Allele origin: germline. Affected: no.

Illumina Laboratory Services, Illumina
Classification: Uncertain significance for Charlevoix-Saguenay spastic ataxia. Last evaluated: 2018-01-13. Review status: criteria provided, single submitter. Criteria: ICSL Variant Classification Criteria 13 December 2019. Collection method: clinical testing. Allele origin: germline.

Genome Diagnostics Laboratory, The Hospital for Sick Children
Classification: Uncertain significance for Hereditary spastic paraplegia. Last evaluated: 2016-12-12. Review status: criteria provided, single submitter. Criteria: ACMG Guidelines, 2015. Collection method: clinical testing. Allele origin: germline. Affected: yes.

Dr. Peter K. Rogan Lab, Western University
No classification provided (evidence only). Condition: Familial cancer of breast. Review status: no classification provided. Collection method: in vitro. Allele origin: not applicable. Functional consequence: retained intron. Not counted in ClinVar's aggregate classification.

Literature cited by the submitters: PubMed 23280630 (cited by Athena Diagnostics).

NM_014363.6(SACS):c.1885G>A (p.Ala629Thr)

Gene: SACS (sacsin molecular chaperone; minus strand). Cytogenetic location: 13q12.12.
Variant type: single nucleotide variant.
Coding change: c.1885G>A on transcript NM_014363.6 (MANE Select); coding-DNA position 1885, G replaced by A.
Protein change: p.Ala629Thr; replaces alanine 629 with threonine.
Molecular consequence: missense variant.
Genome position (GRCh38, 1-based): chr13:23,354,727, C>T on the plus strand (G>A on the coding strand, the complement: SACS is on the minus strand). VCF-style: chr13-23354727-C-T. GRCh37 (hg19) VCF-style: chr13-23928866-C-T.
Other names: c.1444G>A, p.Ala482Thr (NM_001278055.2); short protein forms A629T, A482T.
Identifiers: ClinVar variation 448197 (VCV000448197.36), dbSNP rs149638449, ClinGen allele CA6911833.
Genomic context (GRCh38, chr13:23,354,727, plus strand): 5'-GAAGCTTTTCTTCAGCACAGCCCAGGTGTGCACACTTCCGCAGCACCTGCCGCACCCACG[C>T]GGGCGTCACCTTCCTCACAGGTGTTGTGCCAGAGGCAGCTGTGAGCTGAACAGCAGCATC-3'
Protein context (NP_055178.3, residues 619-639): GTTPVRKVTP[Ala629Thr]WVRQVLRKCA